The following is an entry in ClinVar:

ClinVar aggregate classification (germline): Uncertain significance. Review status: criteria provided, multiple submitters, no conflicts (2 of 4 stars). 2 submissions from 2 submitters: Uncertain significance (2). Last evaluated 2026-03-21.

Submissions (2):

GeneDx
Classification: Uncertain significance. Last evaluated: 2026-03-21. Review status: criteria provided, single submitter. Criteria: GeneDx Variant Classification Process June 2021. Collection method: clinical testing. Allele origin: germline.
Comment: Not observed at significant frequency in large population cohorts (gnomAD); In silico analysis supports that this missense variant has a deleterious effect on protein structure/function; Has not been previously published as pathogenic or benign to our knowledge; This variant is associated with the following publications: (PMID: 20591885)

Blueprint Genetics
Classification: Uncertain significance. Last evaluated: 2022-07-26. Review status: criteria provided, single submitter. Criteria: ACMG Guidelines, 2015. Collection method: clinical testing. Allele origin: germline.

NM_000138.5(FBN1):c.4526A>C (p.Tyr1509Ser)

Gene: FBN1 (fibrillin 1; minus strand). Cytogenetic location: 15q21.1.
Variant type: single nucleotide variant.
Coding change: c.4526A>C on transcript NM_000138.5 (MANE Select); coding-DNA position 4526, A replaced by C.
Protein change: p.Tyr1509Ser; replaces tyrosine 1509 with serine.
Molecular consequence: missense variant.
Genome position (GRCh38, 1-based): chr15:48,468,468, T>G on the plus strand (A>C on the coding strand, the complement: FBN1 is on the minus strand). VCF-style: chr15-48468468-T-G. GRCh37 (hg19) VCF-style: chr15-48760665-T-G.
Other names: c.4526A>C, p.Tyr1509Ser (NM_001406716.1); short protein forms Y1509S.
Identifiers: ClinVar variation 4924794 (VCV004924794.2).